The following is an entry in ClinVar:

NM_000036.3(AMPD1):c.2102T>A (p.Leu701Gln)

Gene: AMPD1 (adenosine monophosphate deaminase 1; minus strand). Cytogenetic location: 1p13.2.
Variant type: single nucleotide variant.
Coding change: c.2102T>A on transcript NM_000036.3 (MANE Select); coding-DNA position 2102, T replaced by A.
Protein change: p.Leu701Gln; replaces leucine 701 with glutamine.
Molecular consequence: missense variant.
Genome position (GRCh38, 1-based): chr1:114,673,256, A>T on the plus strand (T>A on the coding strand, the complement: AMPD1 is on the minus strand). VCF-style: chr1-114673256-A-T. GRCh37 (hg19) VCF-style: chr1-115215877-A-T.
Other names: c.2090T>A, p.Leu697Gln (NM_001172626.2); short protein forms L697Q, L701Q.
Identifiers: ClinVar variation 1515724 (VCV001515724.6), dbSNP rs759824860, ClinGen allele CA1019920.
Genomic context (GRCh38, chr1:114,673,256, plus strand): 5'-GCTACATTTGTCCTCCGGATATCATTTCCAGCAGGGCCTTCCTCAAGGTAATTGTCGCCC[A>T]GAAACTTTACTTTCTCCTATAAGAGAAAAGGATGGCAGAATGATTGTTGTCTCTTTTCAC-3'
Protein context (NP_000027.3, residues 691-711): GISHEEKVKF[Leu701Gln]GDNYLEEGPA

ClinVar aggregate classification (germline): Uncertain significance (1 of 4 stars; one submission).

Conditions:
Muscle AMP deaminase deficiency (MMDD). Also called: Myoadenylate deaminase deficiency, myopathy due to; Adenosine monophosphate deaminase 1 deficiency; AMP deaminase 1 deficiency; Adenosine Monophosphate Deaminase 1; AMPD1 DEFICIENCY; ADENOSINE MONOPHOSPHATE DEAMINASE-1 DEFICIENCY, MYOPATHY DUE TO. Identifiers: Orphanet 45, MedGen C3714933, MONDO:0014220, OMIM 615511.

Allele frequency attached by ClinVar (database versions not stated): TOPMed below 0.00001.
gnomAD v4.1: 8 of 1,614,174 alleles (0.0005%); highest among the groups gnomAD compares: Non-Finnish European, 0.00068%; no homozygotes.

Submission:

Labcorp Genetics (formerly Invitae), Labcorp
Classification: Uncertain significance for Muscle AMP deaminase deficiency. Last evaluated: 2021-08-03. Review status: criteria provided, single submitter. Criteria: Invitae Variant Classification Sherloc (09022015). Collection method: clinical testing. Allele origin: germline.
Comment: This sequence change replaces leucine with glutamine at codon 734 of the AMPD1 protein (p.Leu734Gln). The leucine residue is highly conserved and there is a moderate physicochemical difference between leucine and glutamine. This variant is present in population databases (rs759824860, ExAC 0.009%). This variant has not been reported in the literature in individuals affected with AMPD1-related conditions. Algorithms developed to predict the effect of missense changes on protein structure and function (SIFT, PolyPhen-2, Align-GVGD) all suggest that this variant is likely to be disruptive. In summary, the available evidence is currently insufficient to determine the role of this variant in disease. Therefore, it has been classified as a Variant of Uncertain Significance.